The following is an entry in ClinVar:

ClinVar aggregate classification (germline): Likely pathogenic (1 of 4 stars; one submission).

Conditions:
Joint laxity, short stature, and myopia. Identifiers: Orphanet 527450, MedGen C4540020, MONDO:0060556, OMIM 617662.

Submission:

Dasa
Classification: Likely pathogenic for Joint laxity, short stature, and myopia. Last evaluated: 2026-02-08. Review status: criteria provided, single submitter. Criteria: DASA Assertion Criteria. Collection method: clinical testing. Allele origin: germline.
Comment: NM_022482.5(GZF1):c.1654dup (p.Cys552Leufs*48) is a frameshift variant in GZF1 predicted to alter the reading frame and introduce a premature termination codon and is predicted to result in an absent or altered protein product. Loss of function is an established disease mechanism for GZF1-associated disorders. This variant has been observed in affected individuals with GZF1-related disorders. Also, this variant is absent from population databases. Based on the currently available evidence, this variant is classified as likely pathogenic.

NM_022482.5(GZF1):c.1654dup (p.Cys552fs)

Gene: GZF1 (GDNF inducible zinc finger protein 1; plus strand). Cytogenetic location: 20p11.21.
Variant type: Duplication.
Coding change: c.1654dup on transcript NM_022482.5 (MANE Select); coding-DNA position 1654, one base duplicated (T; older notation c.1654dupT).
Protein change: p.Cys552fs; shifts the reading frame from cysteine 552.
Molecular consequence: frameshift variant.
Genome position (GRCh38, 1-based): chr20:23,369,610, T duplicated. VCF-style (leftmost placement, unchanged base first): chr20-23369609-G-GT. GRCh37 (hg19) VCF-style: chr20-23350246-G-GT.
Other names: c.1654dup, p.Cys552fs (NM_001317012.2, NM_001317019.1); short protein forms C552fs.
Identifiers: ClinVar variation 4880655 (VCV004880655.2).